The following is an entry in ClinVar:

NM_005228.5(EGFR):c.1881-2649C>T

Gene: EGFR (epidermal growth factor receptor; plus strand). Cytogenetic location: 7p11.2.
Variant type: single nucleotide variant.
Coding change: c.1881-2649C>T on transcript NM_005228.5 (MANE Select); 2649 bases into the intron before coding-DNA position 1881, C replaced by T.
Molecular consequence: intron variant. On other transcripts: synonymous variant (1).
Genome position (GRCh38, 1-based): chr7:55,168,526, C>T. VCF-style: chr7-55168526-C-T. GRCh37 (hg19) VCF-style: chr7-55236219-C-T.
Other names: c.1884C>T, p.Ser628= (NM_201282.2); c.1746-2649C>T (NM_001346899.2, NM_001346897.2); c.1080-2649C>T (NM_001346941.2); c.1881-2649C>T (NM_001346898.2); c.1881-1781C>T (NM_201284.2); c.1722-2649C>T (NM_001346900.2).
Identifiers: ClinVar variation 4535271 (VCV004535271.6).

ClinVar aggregate classification (germline): Likely benign (1 of 4 stars; one submission).

Submission:

CeGaT Center for Human Genetics Tuebingen
Classification: Likely benign. Last evaluated: 2025-11-01. Review status: criteria provided, single submitter. Criteria: CeGaT Center For Human Genetics Tuebingen Variant Classification Criteria Version 2. Collection method: clinical testing. Allele origin: germline. Affected: yes. Observed: 1 variant allele.
Comment: EGFR: PM2:Supporting, BP4, BP7